The following is an entry in ClinVar:

ClinVar aggregate classification (germline): Uncertain significance (1 of 4 stars; one submission).

Conditions:
Hereditary cancer-predisposing syndrome. Also called: Neoplastic Syndromes, Hereditary; Tumor predisposition; Hereditary Cancer Syndrome; Hereditary neoplastic syndrome. Identifiers: Orphanet 140162, MedGen C0027672, MeSH D009386, MONDO:0015356.

Submission:

Ambry Genetics
Classification: Uncertain significance for Hereditary cancer-predisposing syndrome. Last evaluated: 2026-01-09. Review status: criteria provided, single submitter. Criteria: Ambry Variant Classification Scheme 2023. Collection method: clinical testing. Allele origin: germline.
Comment: The p.G161R variant (also known as c.481G>A), located in coding exon 5 of the NF2 gene, results from a G to A substitution at nucleotide position 481. The glycine at codon 161 is replaced by arginine, an amino acid with dissimilar properties. This amino acid position is conserved. In addition, this alteration is predicted to be deleterious by in silico analysis. Based on the available evidence, the clinical significance of this variant remains unclear.

NM_000268.4(NF2):c.481G>A (p.Gly161Arg)

Gene: NF2 (NF2, moesin-ezrin-radixin like (MERLIN) tumor suppressor; plus strand). Cytogenetic location: 22q12.2.
Variant type: single nucleotide variant.
Coding change: c.481G>A on transcript NM_000268.4 (MANE Select); coding-DNA position 481, G replaced by A.
Protein change: p.Gly161Arg; replaces glycine 161 with arginine.
Molecular consequence: missense variant. On other transcripts: 5 prime UTR variant (1), intron variant (1).
Genome position (GRCh38, 1-based): chr22:29,654,690, G>A. VCF-style: chr22-29654690-G-A. GRCh37 (hg19) VCF-style: chr22-30050679-G-A.
Other names: c.367G>A, p.Gly123Arg (NM_001407053.1, NM_001407056.1); c.358G>A, p.Gly120Arg (NM_001407054.1, NM_001407058.1, NM_001407062.1 and 1 more transcripts); c.355G>A, p.Gly119Arg (NM_001407055.1, NM_181828.3); c.481G>A, p.Gly161Arg (NM_001407057.1, NM_001407059.1, NM_001407060.1 and 4 more transcripts); c.232G>A, p.Gly78Arg (NM_001407063.1, NM_001407064.1, NM_181830.3 and 1 more transcripts); c.-160G>A (NM_001407065.1); c.250G>A, p.Gly84Arg (NM_001407067.1); c.447+12405G>A (NM_181833.3); short protein forms G123R, G161R, G78R, G120R, G119R, G84R.
Identifiers: ClinVar variation 4843853 (VCV004843853.1).